The following is an entry in ClinVar:

NM_000026.4(ADSL):c.-31C>T

Gene: ADSL (adenylosuccinate lyase; plus strand). Cytogenetic location: 22q13.1.
Variant type: single nucleotide variant.
Coding change: c.-31C>T on transcript NM_000026.4 (MANE Select); 31 bases upstream of the start codon, C replaced by T.
Molecular consequence: 5 prime UTR variant. On other transcripts: non-coding transcript variant (1).
Genome position (GRCh38, 1-based): chr22:40,346,528, C>T. VCF-style: chr22-40346528-C-T. GRCh37 (hg19) VCF-style: chr22-40742532-C-T.
Other names: c.-31C>T (NM_001123378.3, NM_001363840.3); c.-168C>T (NM_001317923.2).
Identifiers: ClinVar variation 1490920 (VCV001490920.6), dbSNP rs747293932, ClinGen allele CA10247564.
Genomic context (GRCh38, chr22:40,346,528, plus strand): 5'-GTCCCGCCCCGCCCCGTCCTGCCCTGGCCTCCAGGTTTCCGCTTCCGCTCTTCCCTGGTC[C>T]AGTCCACCCTGGCGGGGTCGCAGGGTTGGGATGGCGGCTGGAGGCGATCATGGTTCGCCC-3'

ClinVar aggregate classification (germline): Uncertain significance (1 of 4 stars; one submission).

Conditions:
Adenylosuccinate lyase deficiency (ADSLD). Also called: ADSL DEFICIENCY. Identifiers: Orphanet 46, MedGen C0268126, MONDO:0007068, OMIM 103050.

Allele frequency attached by ClinVar (database versions not stated): gnomAD exomes below 0.00001 and 0.00001; gnomAD 0.00001; ExAC 0.00002; TOPMed 0.00003.
gnomAD v4.1: 4 of 1,590,614 alleles (0.00025%); highest among the groups gnomAD compares: African/African-American, 0.0027%; no homozygotes.

Submission:

Labcorp Genetics (formerly Invitae), Labcorp
Classification: Uncertain significance for Adenylosuccinate lyase deficiency. Last evaluated: 2021-03-12. Review status: criteria provided, single submitter. Criteria: Invitae Variant Classification Sherloc (09022015). Collection method: clinical testing. Allele origin: germline.
Comment: In summary, the available evidence is currently insufficient to determine the role of this variant in disease. Therefore, it has been classified as a Variant of Uncertain Significance. Experimental studies and prediction algorithms are not available or were not evaluated, and the functional significance of this variant is currently unknown. This variant has not been reported in the literature in individuals with ADSL-related conditions. This variant is present in population databases (rs747293932, ExAC 0.009%). This variant occurs in a non-coding region of the ADSL gene. It does not change the encoded amino acid sequence of the ADSL protein.